The following is an entry in ClinVar:

NM_006231.4(POLE):c.785A>C (p.Asp262Ala)

Gene: POLE (DNA polymerase epsilon, catalytic subunit; minus strand). Cytogenetic location: 12q24.33.
Variant type: single nucleotide variant.
Coding change: c.785A>C on transcript NM_006231.4 (MANE Select); coding-DNA position 785, A replaced by C.
Protein change: p.Asp262Ala; replaces aspartic acid 262 with alanine.
Molecular consequence: missense variant.
Genome position (GRCh38, 1-based): chr12:132,677,379, T>G on the plus strand (A>C on the coding strand, the complement: POLE is on the minus strand). VCF-style: chr12-132677379-T-G. GRCh37 (hg19) VCF-style: chr12-133253965-T-G.
Other names: short protein forms D262A.
Identifiers: ClinVar variation 405797 (VCV000405797.7), dbSNP rs1060500852, ClinGen allele CA16613735.
Genomic context (GRCh38, chr12:132,677,379, plus strand): 5'-AAAACTGGAAATTTTAGGATGAAGGTAACACAAGCAAAACTTACAGGTCGTTCAACAAGG[T>G]CATCTCGGCGGGTGATTTCTACCGGAAAAGCATTTCCTCGGTATCTGACATTGTACCAAT-3'
Protein context (NP_006222.2, residues 252-272): AFPVEITRRD[Asp262Ala]LVERPDPVVL

ClinVar aggregate classification (germline): Uncertain significance (1 of 4 stars; one submission).

Allele frequency attached by ClinVar (database versions not stated): gnomAD exomes below 0.00001.
gnomAD v4.1: 1 of 1,613,922 alleles (0.000062%); highest among the groups gnomAD compares: Non-Finnish European, 0.000085%; no homozygotes.

Submission:

Labcorp Genetics (formerly Invitae), Labcorp
Classification: Uncertain significance. Last evaluated: 2021-09-18. Review status: criteria provided, single submitter. Criteria: Invitae Variant Classification Sherloc (09022015). Collection method: clinical testing. Allele origin: germline.
Comment: In summary, the available evidence is currently insufficient to determine the role of this variant in disease. Therefore, it has been classified as a Variant of Uncertain Significance. Algorithms developed to predict the effect of missense changes on protein structure and function are either unavailable or do not agree on the potential impact of this missense change (SIFT: "Tolerated"; PolyPhen-2: "Probably Damaging"; Align-GVGD: "Class C0"). This variant has not been reported in the literature in individuals affected with POLE-related conditions. This variant is not present in population databases (ExAC no frequency). This sequence change replaces aspartic acid with alanine at codon 262 of the POLE protein (p.Asp262Ala). The aspartic acid residue is highly conserved and there is a moderate physicochemical difference between aspartic acid and alanine.